The following is an entry in ClinVar:

ClinVar aggregate classification (germline): Uncertain significance (1 of 4 stars; one submission).

Conditions:
COG7 congenital disorder of glycosylation (CDG2E). Also called: CONGENITAL DISORDER OF GLYCOSYLATION, TYPE IIe; CDG IIe. Identifiers: Orphanet 79333, MedGen C2931010, MONDO:0012118, OMIM 608779.

Submission:

Labcorp Genetics (formerly Invitae), Labcorp
Classification: Uncertain significance for COG7 congenital disorder of glycosylation. Last evaluated: 2018-07-20. Review status: criteria provided, single submitter. Criteria: Invitae Variant Classification Sherloc (09022015). Collection method: clinical testing. Allele origin: germline.
Comment: This sequence change replaces valine with isoleucine at codon 193 of the COG7 protein (p.Val193Ile). The valine residue is highly conserved and there is a small physicochemical difference between valine and isoleucine. This variant is not present in population databases (ExAC no frequency). This variant has not been reported in the literature in individuals with COG7-related disease. Algorithms developed to predict the effect of missense changes on protein structure and function output the following: SIFT: "Deleterious"; PolyPhen-2: "Benign"; Align-GVGD: "Class C0". The isoleucine amino acid residue is found in multiple mammalian species, suggesting that this missense change does not adversely affect protein function. These predictions have not been confirmed by published functional studies and their clinical significance is uncertain. In summary, the available evidence is currently insufficient to determine the role of this variant in disease. Therefore, it has been classified as a Variant of Uncertain Significance.

NM_153603.4(COG7):c.577G>A (p.Val193Ile)

Gene: COG7 (component of oligomeric golgi complex 7; minus strand). Cytogenetic location: 16p12.2.
Variant type: single nucleotide variant.
Coding change: c.577G>A on transcript NM_153603.4 (MANE Select); coding-DNA position 577, G replaced by A.
Protein change: p.Val193Ile; replaces valine 193 with isoleucine.
Molecular consequence: missense variant.
Genome position (GRCh38, 1-based): chr16:23,442,504, C>T on the plus strand (G>A on the coding strand, the complement: COG7 is on the minus strand). VCF-style: chr16-23442504-C-T. GRCh37 (hg19) VCF-style: chr16-23453825-C-T.
Other names: short protein forms V193I.
Identifiers: ClinVar variation 653166 (VCV000653166.1), dbSNP rs1596955037, ClinGen allele CA395116405.
Genomic context (GRCh38, chr16:23,442,504, plus strand): 5'-TATACACAGAGATGAGAAGCAGCTAGCACTCACCTACAGCCTGAGAGGTGAATGCCGCTA[C>T]AATCTGTGGACTGGCTAGGGCCTCCAGCCTGTTCTTCAGTGCCTCCAAGTGCACACACTT-3'
Protein context (NP_705831.1, residues 183-203): RLEALASPQI[Val193Ile]AAFTSQAVDQ